The following is an entry in ClinVar:

ClinVar aggregate classification (germline): Uncertain significance (1 of 4 stars; one submission).

Allele frequency attached by ClinVar (database versions not stated): gnomAD exomes below 0.00001; gnomAD 0.00001.
gnomAD v4.1: 7 of 1,559,696 alleles (0.00045%); highest among the groups gnomAD compares: Non-Finnish European, 0.00061%; no homozygotes.

Submission:

Labcorp Genetics (formerly Invitae), Labcorp
Classification: Uncertain significance. Last evaluated: 2022-01-19. Review status: criteria provided, single submitter. Criteria: Invitae Variant Classification Sherloc (09022015). Collection method: clinical testing. Allele origin: germline.
Comment: Algorithms developed to predict the effect of missense changes on protein structure and function are either unavailable or do not agree on the potential impact of this missense change (SIFT: "Not Available"; PolyPhen-2: "Benign"; Align-GVGD: "Not Available"). In summary, the available evidence is currently insufficient to determine the role of this variant in disease. Therefore, it has been classified as a Variant of Uncertain Significance. This variant has not been reported in the literature in individuals affected with POGLUT1-related conditions. This variant is not present in population databases (gnomAD no frequency). This sequence change replaces glutamic acid, which is acidic and polar, with glutamine, which is neutral and polar, at codon 337 of the POGLUT1 protein (p.Glu337Gln).

NM_152305.3(POGLUT1):c.1009G>C (p.Glu337Gln)

Gene: POGLUT1 (protein O-glucosyltransferase 1; plus strand). Cytogenetic location: 3q13.33.
Variant type: single nucleotide variant.
Coding change: c.1009G>C on transcript NM_152305.3 (MANE Select); coding-DNA position 1009, G replaced by C.
Protein change: p.Glu337Gln; replaces glutamic acid 337 with glutamine.
Molecular consequence: missense variant. On other transcripts: non-coding transcript variant (1).
Genome position (GRCh38, 1-based): chr3:119,491,561, G>C. VCF-style: chr3-119491561-G-C. GRCh37 (hg19) VCF-style: chr3-119210408-G-C.
Other names: c.1009G>C, p.Glu337Gln (NM_020231.3); short protein forms E337Q.
Identifiers: ClinVar variation 1944720 (VCV001944720.5), dbSNP rs2081745878, ClinGen allele CA354048963.